The following is an entry in ClinVar:

NM_002354.3(EPCAM):c.345G>A (p.Met115Ile)

Gene: EPCAM (epithelial cell adhesion molecule; plus strand). Cytogenetic location: 2p21.
Variant type: single nucleotide variant.
Coding change: c.345G>A on transcript NM_002354.3 (MANE Select); coding-DNA position 345, G replaced by A.
Protein change: p.Met115Ile; replaces methionine 115 with isoleucine.
Molecular consequence: missense variant.
Genome position (GRCh38, 1-based): chr2:47,373,968, G>A. VCF-style: chr2-47373968-G-A. GRCh37 (hg19) VCF-style: chr2-47601107-G-A.
Other names: short protein forms M115I.
Identifiers: ClinVar variation 560809 (VCV000560809.10), dbSNP rs115212523, ClinGen allele CA1648959.

ClinVar aggregate classification (germline): Conflicting classifications of pathogenicity. Review status: criteria provided, conflicting classifications (1 of 4 stars). 5 submissions from 5 submitters: Uncertain significance (1); Benign (2); Likely benign (2). Last evaluated 2025-11-19.

Conditions:
Hereditary cancer-predisposing syndrome. Also called: Hereditary neoplastic syndrome; Tumor predisposition; Neoplastic Syndromes, Hereditary; Hereditary Cancer Syndrome. Identifiers: Orphanet 140162, MedGen C0027672, MeSH D009386, MONDO:0015356.

Allele frequency attached by ClinVar (database versions not stated): gnomAD 0.00311; 1000 Genomes Project 0.00419; 1000 Genomes Project 30x 0.00453.

Submissions (5):

Dasa
Classification: Likely benign. Last evaluated: 2025-11-19. Review status: criteria provided, single submitter. Criteria: DASA Assertion Criteria. Collection method: clinical testing. Allele origin: germline.
Comment: NM_002354.3(EPCAM):c.345G>A (p.Met115Ile) is a missense variant that results in the substitution of methionine with isoleucine. Population frequency is inconsistent with a disease-causing role for this variant, and observations in unaffected individuals support a benign interpretation. Computational prediction algorithms are consistent with a benign effect. Therefore, based on the currently available evidence, this variant is classified as likely benign.

Blueprint Genetics
Classification: Likely benign. Last evaluated: 2024-11-14. Review status: criteria provided, single submitter. Criteria: ACMG Guidelines, 2015. Collection method: clinical testing. Allele origin: germline.

Ambry Genetics
Classification: Uncertain significance for Hereditary cancer-predisposing syndrome. Last evaluated: 2023-01-05. Review status: criteria provided, single submitter. Criteria: Ambry Variant Classification Scheme 2023. Collection method: clinical testing. Allele origin: germline.
Comment: The p.M115I variant (also known as c.345G>A), located in coding exon 3 of the EPCAM gene, results from a G to A substitution at nucleotide position 345. The methionine at codon 115 is replaced by isoleucine, an amino acid with highly similar properties. This amino acid position is conserved. In addition, this alteration is predicted to be tolerated by in silico analysis. Since supporting evidence is limited at this time, the clinical significance of this alteration remains unclear.

Labcorp Genetics (formerly Invitae), Labcorp
Classification: Benign. Last evaluated: 2018-10-17. Review status: criteria provided, single submitter. Criteria: Invitae Variant Classification Sherloc (09022015). Collection method: clinical testing. Allele origin: germline.

PreventionGenetics, part of Exact Sciences
Classification: Benign. Last evaluated: 2016-03-25. Review status: criteria provided, single submitter. Criteria: ACMG Guidelines, 2015. Collection method: clinical testing. Allele origin: germline.